The following is an entry in ClinVar:

ClinVar aggregate classification (germline): Uncertain significance (1 of 4 stars; one submission).

gnomAD v4.1: 2 of 1,613,796 alleles (0.00012%); highest among the groups gnomAD compares: African/African-American, 0.0013%; no homozygotes.

Submission:

Ambry Genetics
Classification: Uncertain significance. Last evaluated: 2024-06-18. Review status: criteria provided, single submitter. Criteria: Ambry Variant Classification Scheme 2023. Collection method: clinical testing. Allele origin: germline.
Comment: The p.L715I variant (also known as c.2143C>A), located in coding exon 18 of the RAD54L gene, results from a C to A substitution at nucleotide position 2143. The leucine at codon 715 is replaced by isoleucine, an amino acid with highly similar properties. This amino acid position is conserved. In addition, this alteration is predicted to be tolerated by in silico analysis. Based on the available evidence, the clinical significance of this variant remains unclear.

NM_003579.4(RAD54L):c.2143C>A (p.Leu715Ile)

Genes: LRRC41 (leucine rich repeat containing 41; minus strand), RAD54L (RAD54 like; plus strand). Cytogenetic location: 1p34.1.
Variant type: single nucleotide variant.
Coding change: c.2143C>A on transcript NM_003579.4 (MANE Select); coding-DNA position 2143, C replaced by A.
Protein change: p.Leu715Ile; replaces leucine 715 with isoleucine.
Molecular consequence: missense variant. On other transcripts: 3 prime UTR variant (1).
Genome position (GRCh38, 1-based): chr1:46,278,181, C>A. VCF-style: chr1-46278181-C-A. GRCh37 (hg19) VCF-style: chr1-46743853-C-A.
Other names: c.*684G>T (NM_006369.5); c.2143C>A, p.Leu715Ile (NM_001142548.2); c.1603C>A, p.Leu535Ile (NM_001370766.1); short protein forms L535I, L715I.
Identifiers: ClinVar variation 3312425 (VCV003312425.1).